The following is an entry in ClinVar:

ClinVar aggregate classification (germline): Uncertain significance. Review status: criteria provided, multiple submitters, no conflicts (2 of 4 stars). 6 submissions from 6 submitters: Uncertain significance (6). Last evaluated 2026-03-02.

Conditions:
NPHP4-related disorder. Also called: NPHP4-related condition; NPHP4-related disorders. Identifiers: MedGen CN239384.
Nephronophthisis 4 (NPHP4). Also called: NEPHRONOPHTHISIS 4, JUVENILE. Identifiers: Orphanet 655, MedGen C1847013, MONDO:0011752, OMIM 606966.
Senior-Loken syndrome 4 (SLSN4). Identifiers: Orphanet 3156, MedGen C1846979, MONDO:0011756, OMIM 606996.
Inborn genetic diseases. Identifiers: MedGen C0950123, MeSH D030342.
Nephronophthisis. Also called: Juvenile Nephronophthisis. Identifiers: Orphanet 655, MedGen C0687120, MONDO:0019005, HP:0000090.

Allele frequency attached by ClinVar (database versions not stated): gnomAD 0.00001; gnomAD exomes 0.00001 and 0.00002; ExAC 0.00004; TOPMed 0.00004.

Submissions (6):

PreventionGenetics, part of Exact Sciences
Classification: Uncertain significance for NPHP4-related condition. Last evaluated: 2026-03-02. Review status: criteria provided, single submitter. Criteria: ACMG Guidelines, 2015. Collection method: clinical testing. Allele origin: germline.
Comment: The NPHP4 c.202C>T variant is predicted to result in the amino acid substitution p.Arg68Trp. To our knowledge, this variant has not been reported in the literature. This variant is reported in 0.010% of alleles in individuals of East Asian descent in gnomAD. At this time, the clinical significance of this variant is uncertain due to the absence of conclusive functional and genetic evidence.

Ambry Genetics
Classification: Uncertain significance for Inborn genetic diseases. Last evaluated: 2025-08-07. Review status: criteria provided, single submitter. Criteria: Ambry Variant Classification Scheme 2023. Collection method: clinical testing. Allele origin: germline.

Labcorp Genetics (formerly Invitae), Labcorp
Classification: Uncertain significance for Nephronophthisis. Last evaluated: 2022-12-06. Review status: criteria provided, single submitter. Criteria: Invitae Variant Classification Sherloc (09022015). Collection method: clinical testing. Allele origin: germline.
Comment: The frequency data for this variant in the population databases is considered unreliable, as metrics indicate poor data quality at this position in the gnomAD database. In summary, the available evidence is currently insufficient to determine the role of this variant in disease. Therefore, it has been classified as a Variant of Uncertain Significance. Advanced modeling of protein sequence and biophysical properties (such as structural, functional, and spatial information, amino acid conservation, physicochemical variation, residue mobility, and thermodynamic stability) performed at Invitae indicates that this missense variant is expected to disrupt NPHP4 protein function. ClinVar contains an entry for this variant (Variation ID: 596899). This variant has not been reported in the literature in individuals affected with NPHP4-related conditions. This sequence change replaces arginine, which is basic and polar, with tryptophan, which is neutral and slightly polar, at codon 68 of the NPHP4 protein (p.Arg68Trp).

Fulgent Genetics
Classification: Uncertain significance for Nephronophthisis 4; Senior-Loken syndrome 4. Last evaluated: 2022-04-25. Review status: criteria provided, single submitter. Criteria: ACMG Guidelines, 2015. Collection method: clinical testing. Allele origin: unknown.

Blueprint Genetics
Classification: Uncertain significance. Last evaluated: 2020-04-22. Review status: criteria provided, single submitter. Criteria: ACMG Guidelines, 2015. Collection method: clinical testing. Allele origin: germline.

Eurofins Ntd Llc (ga)
Classification: Uncertain significance. Last evaluated: 2018-04-17. Review status: criteria provided, single submitter. Criteria: EGL ClinVar v180209 classification definitions. Collection method: clinical testing. Allele origin: germline. Observed: 1 variant allele, 1 heterozygote.

NM_015102.5(NPHP4):c.202C>T (p.Arg68Trp)

Gene: NPHP4 (nephrocystin 4; minus strand). Cytogenetic location: 1p36.31.
Variant type: single nucleotide variant.
Coding change: c.202C>T on transcript NM_015102.5 (MANE Select); coding-DNA position 202, C replaced by T.
Protein change: p.Arg68Trp; replaces arginine 68 with tryptophan.
Molecular consequence: missense variant. On other transcripts: 5 prime UTR variant (1), non-coding transcript variant (1), intron variant (1).
Genome position (GRCh38, 1-based): chr1:5,978,347, G>A on the plus strand (C>T on the coding strand, the complement: NPHP4 is on the minus strand). VCF-style: chr1-5978347-G-A. GRCh37 (hg19) VCF-style: chr1-6038407-G-A.
Other names: c.-1028C>T (NM_001291593.2); c.-1087-9088C>T (NM_001291594.2); c.202C>T (NM_015102.4, NM_015102.3); short protein forms R68W.
Identifiers: ClinVar variation 596899 (VCV000596899.12), dbSNP rs771873685, ClinGen allele CA554908.
Genomic context (GRCh38, chr1:5,978,347, plus strand): 5'-TGGACGGCGGTCTCTTCGTCGGCTTCACTGTGGTTTTCCACGTCCTCCCAAAGAAGTGCC[G>A]GTAGGTGACATCAAAGAAAGACACTCGCAGATGGCATTCAACCTCTGACAGTACCTCCAG-3'
Protein context (NP_055917.1, residues 58-78): LRVSFFDVTY[Arg68Trp]HFFGRTWKTT